The following is an entry in ClinVar:

ClinVar aggregate classification (germline): Likely pathogenic (1 of 4 stars; one submission).

Conditions:
Autosomal recessive Alport syndrome (ATS2). Also called: COL4A3-Related Nephropathy; COL4A4 Alport Syndrome and Thin Basement Membrane Nephropathy; ALPORT SYNDROME 2, AUTOSOMAL RECESSIVE; Alport syndrome type 2. Identifiers: Orphanet 63, Orphanet 88919, MedGen C4746745, MONDO:0008762, OMIM 203780.

Submission:

Myriad Genetics, Inc.
Classification: Likely pathogenic for Autosomal recessive Alport syndrome. Last evaluated: 2022-03-04. Review status: criteria provided, single submitter. Criteria: Myriad Women's Health Autosomal Recessive and X-Linked Classification Criteria (2021). Collection method: clinical testing. Allele origin: unknown.
Comment: NM_000091.4(COL4A3):c.570delT(P191Lfs*32) is expected to be pathogenic in the context of COL4A3-related Alport syndrome. This variant is predicted to lead to an abnormal or absent protein product due to the creation of a premature termination codon in COL4A3, a gene where loss-of-function variants are known to be pathogenic. Please note: this variant was assessed in the context of healthy population screening.

NM_000091.5(COL4A3):c.570del (p.Pro191fs)

Genes: COL4A3 (collagen type IV alpha 3 chain; plus strand), MFF-DT (MFF divergent transcript; minus strand). Cytogenetic location: 2q36.3.
Variant type: Deletion.
Coding change: c.570del on transcript NM_000091.5 (MANE Select); coding-DNA position 570, one base deleted (T; older notation c.570delT).
Protein change: p.Pro191fs; shifts the reading frame from proline 191.
Molecular consequence: frameshift variant.
Genome position (GRCh38, 1-based): chr2:227,251,163, T deleted; the last of 4 consecutive T bases (chr2:227,251,160-227,251,163); deleting any one gives the same sequence. VCF-style (leftmost placement, unchanged base first): chr2-227251159-GT-G. GRCh37 (hg19) VCF-style: chr2-228115875-GT-G.
Other names: short protein forms P191fs.
Identifiers: ClinVar variation 1725002 (VCV001725002.2), dbSNP rs2469543375, ClinGen allele CA2580065941.